The following is an entry in ClinVar:

NM_030665.4(RAI1):c.453G>A (p.Val151=)

Gene: RAI1 (retinoic acid induced 1; plus strand). Cytogenetic location: 17p11.2.
Variant type: single nucleotide variant.
Coding change: c.453G>A on transcript NM_030665.4 (MANE Select); coding-DNA position 453, G replaced by A.
Protein change: p.Val151=; no amino-acid change (valine 151 retained).
Molecular consequence: synonymous variant.
Genome position (GRCh38, 1-based): chr17:17,793,401, G>A. VCF-style: chr17-17793401-G-A. GRCh37 (hg19) VCF-style: chr17-17696715-G-A.
Other names: c.453G>A (NM_030665.3).
Identifiers: ClinVar variation 2010371 (VCV002010371.6), dbSNP rs767613627, ClinGen allele CA8418124.

ClinVar aggregate classification (germline): Likely benign. Review status: criteria provided, single submitter (1 of 4 stars). 2 submissions from 2 submitters: Likely benign (1). 1 of the submissions does not count toward it. Last evaluated 2025-06-02.

Conditions:
RAI1-related disorder. Also called: RAI1-related condition.

Allele frequency attached by ClinVar (database versions not stated): TOPMed 0.00002.
gnomAD v4.1: 20 of 1,613,634 alleles (0.0012%); highest among the groups gnomAD compares: East Asian, 0.042%; no homozygotes.

Submissions (2):

Labcorp Genetics (formerly Invitae), Labcorp
Classification: Likely benign. Last evaluated: 2025-06-02. Review status: criteria provided, single submitter. Criteria: Invitae Variant Classification Sherloc (09022015). Collection method: clinical testing. Allele origin: germline.

PreventionGenetics, part of Exact Sciences
Classification: Likely benign for RAI1-related condition. Last evaluated: 2019-08-12. Review status: no assertion criteria provided. Collection method: clinical testing. Allele origin: germline. Not counted in ClinVar's aggregate classification.
Comment: This variant is classified as likely benign based on ACMG/AMP sequence variant interpretation guidelines (Richards et al. 2015 PMID: 25741868, with internal and published modifications).